The following is an entry in ClinVar:

NM_005142.3(CBLIF):c.1032TGT[1] (p.Val346del)

Gene: CBLIF (cobalamin binding intrinsic factor; minus strand). Cytogenetic location: 11q12.1.
Variant type: Microsatellite.
Coding change: c.1032TGT[1] on transcript NM_005142.3 (MANE Select); one copy of the 3-base unit TGT starting at c.1032; the reference has two copies in a row; one copy, 3 bases deleted; also written c.1035_1037del.
Protein change: p.Val346del; deletes valine 346.
Genome position (GRCh38, 1-based): chr11:59,835,844-59,835,846, ACA deleted on the plus strand (TGT on the coding strand, the reverse complement: CBLIF is on the minus strand); deleting any 3 consecutive bases within chr11:59,835,844-59,835,850 gives the same sequence; the position shown is the placement nearest the transcript's 3' end. VCF-style (leftmost placement, unchanged base first): chr11-59835843-GACA-G. GRCh37 (hg19) VCF-style: chr11-59603316-GACA-G.
Other names: p.Val346del; c.1035_1037del (NM_005142.3); short protein forms V346del.
Identifiers: ClinVar variation 2683151 (VCV002683151.1), dbSNP rs762845250, ClinGen allele CA6021425.

ClinVar aggregate classification (germline): Uncertain significance (1 of 4 stars; one submission).

Submission:

Mayo Clinic Laboratories, Mayo Clinic
Classification: Uncertain significance. Last evaluated: 2023-05-09. Review status: criteria provided, single submitter. Criteria: ACMG Guidelines, 2015. Collection method: clinical testing. Allele origin: germline. Observed: 1 variant allele.
Comment: PM2, PM4